The following is an entry in ClinVar:

NM_001375.3(DNASE2):c.709+4A>T

Gene: DNASE2 (deoxyribonuclease 2, lysosomal; minus strand). Cytogenetic location: 19p13.13.
Variant type: single nucleotide variant.
Coding change: c.709+4A>T on transcript NM_001375.3 (MANE Select); 4 bases into the intron after coding-DNA position 709, A replaced by T.
Molecular consequence: intron variant.
Genome position (GRCh38, 1-based): chr19:12,878,378, T>A on the plus strand (A>T on the coding strand, the complement: DNASE2 is on the minus strand). VCF-style: chr19-12878378-T-A. GRCh37 (hg19) VCF-style: chr19-12989192-T-A.
Other names: c.709+4A>T (NM_001375.2).
Identifiers: ClinVar variation 1510198 (VCV001510198.6), dbSNP rs2145921217, ClinGen allele CA2573155997.

ClinVar aggregate classification (germline): Uncertain significance. Review status: criteria provided, multiple submitters, no conflicts (2 of 4 stars). 2 submissions from 2 submitters: Uncertain significance (2). Last evaluated 2022-12-01.

Conditions:
DNASE2-related disorder. Also called: DNASE2-related condition.

Allele frequency attached by ClinVar (database versions not stated): gnomAD exomes below 0.00001.
gnomAD v4.1: 1 of 1,612,412 alleles (0.000062%); highest among the groups gnomAD compares: Non-Finnish European, 0.000085%; no homozygotes.

Submissions (2):

PreventionGenetics, part of Exact Sciences
Classification: Uncertain significance for DNASE2-related condition. Last evaluated: 2022-12-01. Review status: criteria provided, single submitter. Criteria: ACMG Guidelines, 2015. Collection method: clinical testing. Allele origin: germline.
Comment: The DNASE2 c.709+4A>T variant is predicted to interfere with splicing. This variant alters splicing based on available splicing prediction programs (Alamut Visual Plus V1.6.1). To our knowledge, this variant has not been reported in the literature or in a large population database, indicating this variant is rare. At this time, the clinical significance of this variant is uncertain due to the absence of conclusive functional and genetic evidence.

Labcorp Genetics (formerly Invitae), Labcorp
Classification: Uncertain significance. Last evaluated: 2022-09-01. Review status: criteria provided, single submitter. Criteria: Invitae Variant Classification Sherloc (09022015). Collection method: clinical testing. Allele origin: germline.
Comment: In summary, the available evidence is currently insufficient to determine the role of this variant in disease. Therefore, it has been classified as a Variant of Uncertain Significance. Variants that disrupt the consensus splice site are a relatively common cause of aberrant splicing (PMID: 17576681, 9536098). Algorithms developed to predict the effect of sequence changes on RNA splicing suggest that this variant may disrupt the consensus splice site. ClinVar contains an entry for this variant (Variation ID: 1510198). This variant has not been reported in the literature in individuals affected with DNASE2-related conditions. This variant is not present in population databases (gnomAD no frequency). This sequence change falls in intron 5 of the DNASE2 gene. It does not directly change the encoded amino acid sequence of the DNASE2 protein. It affects a nucleotide within the consensus splice site.

Literature cited by the submitters: PubMed 17576681 (cited by Labcorp Genetics (formerly Invitae), Labcorp); PubMed 9536098 (cited by Labcorp Genetics (formerly Invitae), Labcorp).